The following is an entry in ClinVar:

ClinVar aggregate classification (germline): Likely pathogenic (1 of 4 stars; one submission).

Submission:

GeneDx
Classification: Likely pathogenic. Last evaluated: 2016-12-27. Review status: criteria provided, single submitter. Criteria: GeneDx Variant Classification (06012015). Collection method: clinical testing. Allele origin: germline. Affected: yes.
Comment: A novel R219S variant that is likely pathogenic has been identified in the SCN1A gene. The R219S variant has not been published as a pathogenic variant, nor has it been reported as a benign variant to our knowledge. The R219S variant is not observed in large population cohorts (Lek et al., 2016; 1000 Genomes Consortium et al., 2015; Exome Variant Server). The R219S variant is a semi-conservative amino acid substitution, which may impact secondary protein structure as these residues differ in some properties. This substitution occurs at a conserved position predicted to be within the transmembrane segment S4 voltage sensor domain of the first homologous domain. In silico analysis predicts this variant is probably damaging to the protein structure/function. Additionally, a different missense variant in the same residue (R219G) as well as multiple missense in nearby residues have been reported in Human Gene Mutation Database in association with SCN1A-related disorder (Stenson et al., 2014), supporting the functional importance of this region of the protein. Therefore, this variant is likely pathogenic; however, the possibility that it is benign cannot be excluded.

NM_001165963.4(SCN1A):c.657A>T (p.Arg219Ser)

Gene: SCN1A (sodium voltage-gated channel alpha subunit 1; minus strand). Cytogenetic location: 2q24.3.
Variant type: single nucleotide variant.
Coding change: c.657A>T on transcript NM_001165963.4 (MANE Select); coding-DNA position 657, A replaced by T.
Protein change: p.Arg219Ser; replaces arginine 219 with serine.
Molecular consequence: missense variant. On other transcripts: 5 prime UTR variant (1), non-coding transcript variant (1).
Genome position (GRCh38, 1-based): chr2:166,052,889, T>A on the plus strand (A>T on the coding strand, the complement: SCN1A is on the minus strand). VCF-style: chr2-166052889-T-A. GRCh37 (hg19) VCF-style: chr2-166909399-T-A.
Other names: c.657A>T, p.Arg219Ser (NM_001165964.3, NM_001202435.3, NM_001353948.2 and 10 more transcripts); c.-1769A>T (NM_001353961.2); short protein forms R219S.
Identifiers: ClinVar variation 378898 (VCV000378898.2), dbSNP rs727504143, ClinGen allele CA16603953.
Genomic context (GRCh38, chr2:166,052,889, plus strand): 5'-TCATTATCTAACCTTGCTCTCACCTGGAATGACTGAAATCGTCTTCAATGCTCGGAGAAC[T>A]CTGAATGTTCTCAATGCCGAGACATTGCCCAGGTCCACAAACTCTGTGACGTACCTGTAA-3'
Protein context (NP_001159435.1, residues 209-229): LGNVSALRTF[Arg219Ser]VLRALKTISV